The following is an entry in ClinVar:

ClinVar aggregate classification (germline): Uncertain significance (1 of 4 stars; one submission).

Conditions:
Inborn genetic diseases. Identifiers: MedGen C0950123, MeSH D030342.

Allele frequency attached by ClinVar (database versions not stated): gnomAD exomes below 0.00001.

Submission:

Ambry Genetics
Classification: Uncertain significance for Inborn genetic diseases. Last evaluated: 2018-04-02. Review status: criteria provided, single submitter. Criteria: Ambry Variant Classification Scheme 2023. Collection method: clinical testing. Allele origin: germline.
Comment: The p.M1124I variant (also known as c.3372G>A), located in coding exon 12 of the CHD7 gene, results from a G to A substitution at nucleotide position 3372. The methionine at codon 1124 is replaced by isoleucine, an amino acid with highly similar properties. This amino acid position is highly conserved in available vertebrate species. In addition, this alteration is predicted to be deleterious by in silico analysis. Since supporting evidence is limited at this time, the clinical significance of this alteration remains unclear.

NM_017780.4(CHD7):c.3372G>A (p.Met1124Ile)

Gene: CHD7 (chromodomain helicase DNA binding protein 7; plus strand). Cytogenetic location: 8q12.2.
Variant type: single nucleotide variant.
Coding change: c.3372G>A on transcript NM_017780.4 (MANE Select); coding-DNA position 3372, G replaced by A.
Protein change: p.Met1124Ile; replaces methionine 1124 with isoleucine.
Molecular consequence: missense variant. On other transcripts: intron variant (1).
Genome position (GRCh38, 1-based): chr8:60,824,010, G>A. VCF-style: chr8-60824010-G-A. GRCh37 (hg19) VCF-style: chr8-61736569-G-A.
Other names: c.1717-38219G>A (NM_001316690.1); short protein forms M1124I.
Identifiers: ClinVar variation 1730748 (VCV001730748.2), dbSNP rs2487819534, ClinGen allele CA371312784.